The following is an entry in ClinVar:

ClinVar aggregate classification (germline): Uncertain significance. Review status: criteria provided, multiple submitters, no conflicts (2 of 4 stars). 2 submissions from 2 submitters: Uncertain significance (2). Last evaluated 2025-10-08.

Conditions:
Congenital myopathy with internal nuclei and atypical cores. Also called: Myopathy, centronuclear, 4. Identifiers: Orphanet 319160, MedGen C4707232, MONDO:0013890, OMIM 614807.

Allele frequency attached by ClinVar (database versions not stated): gnomAD exomes 0.00007 and 0.00011; ExAC 0.00012; ESP Exome Variant Server 0.00023; gnomAD 0.00026 and 0.00027; TOPMed 0.00027; 1000 Genomes Project 30x 0.00031; 1000 Genomes Project 0.00040.
gnomAD v4.1: 149 of 1,610,126 alleles (0.0093%); highest among the groups gnomAD compares: Middle Eastern, 0.12%; 1 homozygote.

Submissions (2):

Labcorp Genetics (formerly Invitae), Labcorp
Classification: Uncertain significance for Congenital myopathy with internal nuclei and atypical cores. Last evaluated: 2025-10-08. Review status: criteria provided, single submitter. Criteria: Invitae Variant Classification Sherloc (09022015). Collection method: clinical testing. Allele origin: germline.
Comment: This sequence change replaces arginine, which is basic and polar, with histidine, which is basic and polar, at codon 288 of the CCDC78 protein (p.Arg288His). This variant is present in population databases (rs200154277, gnomAD 0.06%), and has an allele count higher than expected for a pathogenic variant. This variant has not been reported in the literature in individuals affected with CCDC78-related conditions. ClinVar contains an entry for this variant (Variation ID: 473268). Invitae Evidence Modeling of protein sequence and biophysical properties (such as structural, functional, and spatial information, amino acid conservation, physicochemical variation, residue mobility, and thermodynamic stability) has been performed for this missense variant. However, the output from this modeling did not meet the statistical confidence thresholds required to predict the impact of this variant on CCDC78 protein function. In summary, the available evidence is currently insufficient to determine the role of this variant in disease. Therefore, it has been classified as a Variant of Uncertain Significance.

Fulgent Genetics
Classification: Uncertain significance for Congenital myopathy with internal nuclei and atypical cores. Last evaluated: 2018-10-31. Review status: criteria provided, single submitter. Criteria: ACMG Guidelines, 2015. Collection method: clinical testing. Allele origin: unknown.

NM_001378030.1(CCDC78):c.863G>A (p.Arg288His)

Gene: CCDC78 (coiled-coil domain containing 78; minus strand). Cytogenetic location: 16p13.3.
Variant type: single nucleotide variant.
Coding change: c.863G>A on transcript NM_001378030.1 (MANE Select); coding-DNA position 863, G replaced by A.
Protein change: p.Arg288His; replaces arginine 288 with histidine.
Molecular consequence: missense variant. On other transcripts: non-coding transcript variant (5).
Genome position (GRCh38, 1-based): chr16:724,412, C>T on the plus strand (G>A on the coding strand, the complement: CCDC78 is on the minus strand). VCF-style: chr16-724412-C-T. GRCh37 (hg19) VCF-style: chr16-774412-C-T.
Other names: c.863G>A, p.Arg288His (NM_001031737.3, NM_001378031.1); c.296G>A, p.Arg99His (NM_001378033.1); short protein forms R288H, R99H.
Identifiers: ClinVar variation 473268 (VCV000473268.12), dbSNP rs200154277, ClinGen allele CA7789372.